The following is an entry in ClinVar:

ClinVar aggregate classification (germline): Uncertain significance (1 of 4 stars; one submission).

Submission:

Labcorp Genetics (formerly Invitae), Labcorp
Classification: Uncertain significance. Last evaluated: 2025-12-09. Review status: criteria provided, single submitter. Criteria: Invitae Variant Classification Sherloc (09022015). Collection method: clinical testing. Allele origin: germline.
Comment: This sequence change replaces alanine, which is neutral and non-polar, with valine, which is neutral and non-polar, at codon 4 of the COL9A2 protein (p.Ala4Val). This variant is not present in population databases (gnomAD no frequency). This variant has not been reported in the literature in individuals affected with COL9A2-related conditions. ClinVar contains an entry for this variant (Variation ID: 1513368). Invitae Evidence Modeling of protein sequence and biophysical properties (such as structural, functional, and spatial information, amino acid conservation, physicochemical variation, residue mobility, and thermodynamic stability) indicates that this missense variant is not expected to disrupt COL9A2 protein function with a negative predictive value of 95%. In summary, the available evidence is currently insufficient to determine the role of this variant in disease. Therefore, it has been classified as a Variant of Uncertain Significance.

NM_001852.4(COL9A2):c.11C>T (p.Ala4Val)

Gene: COL9A2 (collagen type IX alpha 2 chain; minus strand). Cytogenetic location: 1p34.2.
Variant type: single nucleotide variant.
Coding change: c.11C>T on transcript NM_001852.4 (MANE Select); coding-DNA position 11, C replaced by T.
Protein change: p.Ala4Val; replaces alanine 4 with valine.
Molecular consequence: missense variant.
Genome position (GRCh38, 1-based): chr1:40,317,187, G>A on the plus strand (C>T on the coding strand, the complement: COL9A2 is on the minus strand). VCF-style: chr1-40317187-G-A. GRCh37 (hg19) VCF-style: chr1-40782859-G-A.
Other names: short protein forms A4V.
Identifiers: ClinVar variation 1513368 (VCV001513368.8), dbSNP rs2124112910, ClinGen allele CA339861051.
Genomic context (GRCh38, chr1:40,317,187, plus strand): 5'-TGCGCCAGAGCGAGCACTACCACCTGGAGGAGAACAAGGAGGCTGCGGGGGGAGGCCGTA[G>A]CGGCGGCCATGGCTGGCGGCGAGACCAAGGGGGACGGGTGCGTGTCCGCGCACGCACCGA-3'
Protein context (NP_001843.1, residues 1-14): MAA[Ala4Val]TASPRSLLVL